The following is an entry in ClinVar:

ClinVar aggregate classification (germline): Uncertain significance (1 of 4 stars; one submission).

Conditions:
Congenital contractural arachnodactyly (CCA). Also called: BEALS SYNDROME; Beals-Hecht syndrome; Arthrogryposis, distal, type 9. Identifiers: Orphanet 115, MedGen C0220668, MONDO:0007363, OMIM 121050.

Submission:

Labcorp Genetics (formerly Invitae), Labcorp
Classification: Uncertain significance for Congenital contractural arachnodactyly. Last evaluated: 2024-04-16. Review status: criteria provided, single submitter. Criteria: Invitae Variant Classification Sherloc (09022015). Collection method: clinical testing. Allele origin: germline.
Comment: This sequence change replaces threonine, which is neutral and polar, with alanine, which is neutral and non-polar, at codon 2099 of the FBN2 protein (p.Thr2099Ala). This variant is not present in population databases (gnomAD no frequency). This variant has not been reported in the literature in individuals affected with FBN2-related conditions. An algorithm developed to predict the effect of missense changes on protein structure and function (PolyPhen-2) suggests that this variant is likely to be tolerated. In summary, the available evidence is currently insufficient to determine the role of this variant in disease. Therefore, it has been classified as a Variant of Uncertain Significance.

NM_001999.4(FBN2):c.6295A>G (p.Thr2099Ala)

Gene: FBN2 (fibrillin 2; minus strand). Cytogenetic location: 5q23.3.
Variant type: single nucleotide variant.
Coding change: c.6295A>G on transcript NM_001999.4 (MANE Select); coding-DNA position 6295, A replaced by G.
Protein change: p.Thr2099Ala; replaces threonine 2099 with alanine.
Molecular consequence: missense variant.
Genome position (GRCh38, 1-based): chr5:128,290,882, T>C on the plus strand (A>G on the coding strand, the complement: FBN2 is on the minus strand). VCF-style: chr5-128290882-T-C. GRCh37 (hg19) VCF-style: chr5-127626574-T-C.
Other names: short protein forms T2099A.
Identifiers: ClinVar variation 3691648 (VCV003691648.2).
Genomic context (GRCh38, chr5:128,290,882, plus strand): 5'-AAGCTTTGGGTACAGAACACTTTCCATTTTCAAAATTTGTGAAGCAGAAGCTCTGGCGAG[T>C]ATCTAATCAAAAAAGCAAACATTACAGATGGAATTATTTTGTAACACTGTTTGGACAGAA-3'
Protein context (NP_001990.2, residues 2089-2109): LSDNGRRCFD[Thr2099Ala]RQSFCFTNFE